The following is an entry in ClinVar:

ClinVar aggregate classification (germline): Uncertain significance (1 of 4 stars; one submission).

Conditions:
Bardet-Biedl syndrome (BBS). Identifiers: Orphanet 110, MedGen C0752166, MONDO:0015229.

Allele frequency attached by ClinVar (database versions not stated): gnomAD exomes below 0.00001.
gnomAD v4.1: 1 of 1,613,764 alleles (0.000062%); highest among the groups gnomAD compares: East Asian, 0.0022%; no homozygotes.

Submission:

Labcorp Genetics (formerly Invitae), Labcorp
Classification: Uncertain significance for Bardet-Biedl syndrome. Last evaluated: 2021-12-02. Review status: criteria provided, single submitter. Criteria: Invitae Variant Classification Sherloc (09022015). Collection method: clinical testing. Allele origin: germline.
Comment: In summary, the available evidence is currently insufficient to determine the role of this variant in disease. Therefore, it has been classified as a Variant of Uncertain Significance. Algorithms developed to predict the effect of missense changes on protein structure and function (SIFT, PolyPhen-2, Align-GVGD) all suggest that this variant is likely to be tolerated. ClinVar contains an entry for this variant (Variation ID: 937229). This variant has not been reported in the literature in individuals affected with BBS10-related conditions. This variant is not present in population databases (gnomAD no frequency). This sequence change replaces glycine, which is neutral and non-polar, with alanine, which is neutral and non-polar, at codon 117 of the BBS10 protein (p.Gly117Ala).

NM_024685.4(BBS10):c.350G>C (p.Gly117Ala)

Gene: BBS10 (Bardet-Biedl syndrome 10; minus strand). Cytogenetic location: 12q21.2.
Variant type: single nucleotide variant.
Coding change: c.350G>C on transcript NM_024685.4 (MANE Select); coding-DNA position 350, G replaced by C.
Protein change: p.Gly117Ala; replaces glycine 117 with alanine.
Molecular consequence: missense variant.
Genome position (GRCh38, 1-based): chr12:76,347,635, C>G on the plus strand (G>C on the coding strand, the complement: BBS10 is on the minus strand). VCF-style: chr12-76347635-C-G. GRCh37 (hg19) VCF-style: chr12-76741415-C-G.
Other names: short protein forms G117A.
Identifiers: ClinVar variation 937229 (VCV000937229.7), dbSNP rs1951771611, ClinGen allele CA385815692.